The following is an entry in ClinVar:

NM_005359.6(SMAD4):c.874C>G (p.Pro292Ala)

Gene: SMAD4 (SMAD family member 4; plus strand). Cytogenetic location: 18q21.2.
Variant type: single nucleotide variant.
Coding change: c.874C>G on transcript NM_005359.6 (MANE Select); coding-DNA position 874, C replaced by G.
Protein change: p.Pro292Ala; replaces proline 292 with alanine.
Molecular consequence: missense variant.
Genome position (GRCh38, 1-based): chr18:51,058,426, C>G. VCF-style: chr18-51058426-C-G. GRCh37 (hg19) VCF-style: chr18-48584796-C-G.
Other names: short protein forms P292A.
Identifiers: ClinVar variation 1006156 (VCV001006156.12), dbSNP rs1909904049, ClinGen allele CA402463560.

ClinVar aggregate classification (germline): Uncertain significance. Review status: criteria provided, multiple submitters, no conflicts (2 of 4 stars). 2 submissions from 2 submitters: Uncertain significance (2). Last evaluated 2024-11-03.

Conditions:
Hereditary cancer-predisposing syndrome. Also called: Hereditary neoplastic syndrome; Neoplastic Syndromes, Hereditary; Tumor predisposition; Hereditary Cancer Syndrome. Identifiers: Orphanet 140162, MedGen C0027672, MeSH D009386, MONDO:0015356.
Juvenile polyposis syndrome (JPS). Identifiers: Orphanet 2929, MedGen C0345893, MONDO:0017380, OMIM 174900.

Submissions (2):

Labcorp Genetics (formerly Invitae), Labcorp
Classification: Uncertain significance for Juvenile polyposis syndrome. Last evaluated: 2024-11-03. Review status: criteria provided, single submitter. Criteria: Invitae Variant Classification Sherloc (09022015). Collection method: clinical testing. Allele origin: germline.
Comment: This sequence change replaces proline, which is neutral and non-polar, with alanine, which is neutral and non-polar, at codon 292 of the SMAD4 protein (p.Pro292Ala). This variant is not present in population databases (gnomAD no frequency). This variant has not been reported in the literature in individuals affected with SMAD4-related conditions. ClinVar contains an entry for this variant (Variation ID: 1006156). Invitae Evidence Modeling of protein sequence and biophysical properties (such as structural, functional, and spatial information, amino acid conservation, physicochemical variation, residue mobility, and thermodynamic stability) has been performed for this missense variant. However, the output from this modeling did not meet the statistical confidence thresholds required to predict the impact of this variant on SMAD4 protein function. In summary, the available evidence is currently insufficient to determine the role of this variant in disease. Therefore, it has been classified as a Variant of Uncertain Significance.

Color Diagnostics, LLC DBA Color Health
Classification: Uncertain significance for Hereditary cancer-predisposing syndrome. Last evaluated: 2024-03-06. Review status: criteria provided, single submitter. Criteria: ACMG Guidelines, 2015. Collection method: clinical testing. Allele origin: germline.
Comment: This missense variant replaces proline with alanine at codon 292 of the SMAD4 protein. Computational prediction suggests that this variant may not impact protein structure and function (internally defined REVEL score threshold <= 0.5, PMID: 27666373). To our knowledge, functional studies have not been reported for this variant. This variant has not been reported in individuals affected with hereditary cancer in the literature. This variant has not been identified in the general population by the Genome Aggregation Database (gnomAD). The available evidence is insufficient to determine the role of this variant in disease conclusively. Therefore, this variant is classified as a Variant of Uncertain Significance.